The following is an entry in ClinVar:

Single allele

Genes: FLNC (filamin C; plus strand), FLNC-AS1 (FLNC antisense RNA 1; minus strand). Cytogenetic location: 7q32.1.
Variant type: Duplication.
Identifiers: ClinVar variation 471959 (VCV000471959.1).

ClinVar aggregate classification (germline): Uncertain significance (1 of 4 stars; one submission).

Conditions:
Distal myopathy with posterior leg and anterior hand involvement. Also called: WILLIAMS DISTAL MYOPATHY. Identifiers: Orphanet 63273, MedGen C3279722, MONDO:0013550, OMIM 614065.
Dilated Cardiomyopathy, Dominant.
Myofibrillar myopathy 5. Also called: Filaminopathy (type); FILAMINOPATHY, AUTOSOMAL DOMINANT. Identifiers: Orphanet 171445, MedGen C1836050, MONDO:0012289, OMIM 609524.
Hypertrophic cardiomyopathy 26. Also called: Cardiomyopathy, familial hypertrophic, 26. Identifiers: Orphanet 75249, MedGen C4310749, MONDO:0014883, OMIM 617047.

Submission:

Labcorp Genetics (formerly Invitae), Labcorp
Classification: Uncertain significance for Distal myopathy with posterior leg and anterior hand involvement; Myofibrillar myopathy 5; Hypertrophic cardiomyopathy 26. Last evaluated: 2017-01-24. Review status: criteria provided, single submitter. Criteria: Invitae Variant Classification Sherloc (09022015). Collection method: clinical testing. Allele origin: germline.
Comment: This variant is a gross duplication of the genomic region encompassing exon 47 of the FLNC gene. While the exact position of the duplicated exon cannot be determined from this data, the duplicated copy of this region is likely in tandem and in-frame, therefore preserving the integrity of the reading frame. This variant has not been reported in the literature in an individual with a FLNC-related disease. Experimental studies and prediction algorithms are not available for this variant, and the functional significance of the duplicated amino acids is currently unknown. In summary, the exact genomic location of this variant is unknown and the impact of this duplication on FLNC protein function has not been established. Therefore, it has been classified as a Variant of Uncertain Significance.